The following is an entry in ClinVar:

NM_004764.5(PIWIL1):c.132G>T (p.Gly44=)

Gene: PIWIL1 (piwi like RNA-mediated gene silencing 1; plus strand). Cytogenetic location: 12q24.33.
Variant type: single nucleotide variant.
Coding change: c.132G>T on transcript NM_004764.5 (MANE Select); coding-DNA position 132, G replaced by T.
Protein change: p.Gly44=; no amino-acid change (glycine 44 retained).
Molecular consequence: synonymous variant.
Genome position (GRCh38, 1-based): chr12:130,343,043, G>T. VCF-style: chr12-130343043-G-T. GRCh37 (hg19) VCF-style: chr12-130827588-G-T.
Other names: c.132G>T, p.Gly44= (NM_001190971.2).
Identifiers: ClinVar variation 3029045 (VCV003029045.2), dbSNP rs771270627, ClinGen allele CA6876902.

ClinVar aggregate classification (germline): Likely benign (0 of 4 stars; one submission).

Conditions:
PIWIL1-related disorder. Also called: PIWIL1-related condition.

Allele frequency attached by ClinVar (database versions not stated): TOPMed 0.00002.
gnomAD v4.1: 21 of 1,614,066 alleles (0.0013%); highest among the groups gnomAD compares: Non-Finnish European, 0.0018%; no homozygotes.

Submission:

PreventionGenetics, part of Exact Sciences
Classification: Likely benign for PIWIL1-related condition. Last evaluated: 2023-08-16. Review status: no assertion criteria provided. Collection method: clinical testing. Allele origin: germline.
Comment: This variant is classified as likely benign based on ACMG/AMP sequence variant interpretation guidelines (Richards et al. 2015 PMID: 25741868, with internal and published modifications).